The following is an entry in ClinVar:

NM_001261428.3(LPIN1):c.45G>A (p.Ser15=)

Gene: LPIN1 (lipin 1; plus strand). Cytogenetic location: 2p25.1.
Variant type: single nucleotide variant.
Coding change: c.45G>A on transcript NM_001261428.3; coding-DNA position 45, G replaced by A.
Protein change: p.Ser15=; no amino-acid change (serine 15 retained).
Molecular consequence: synonymous variant.
Genome position (GRCh38, 1-based): chr2:11,677,692, G>A. VCF-style: chr2-11677692-G-A. GRCh37 (hg19) VCF-style: chr2-11817818-G-A.
Other names: c.45G>A, p.Ser15= (NM_001349207.2, NM_001349208.2); c.45G>A (NM_001261428.1).
Identifiers: ClinVar variation 1179725 (VCV001179725.10), dbSNP rs145228255, ClinGen allele CA1533288.
Genomic context (GRCh38, chr2:11,677,692, plus strand): 5'-CCATACAGGGCGGGCCATGGGGGAACAGGACGGCATTCGCAGCTCCAGCTGGGAGACCTC[G>A]CAGGGCAAGAGCTCCCCAGACTCGGCTTGGTCATGGGTAAGGGCCGGCCATGTGGCCATC-3'

ClinVar aggregate classification (germline): Likely benign. Review status: criteria provided, multiple submitters, no conflicts (2 of 4 stars). 6 submissions from 6 submitters: Likely benign (5). 1 of the submissions does not count toward it. Last evaluated 2024-11-26.

Conditions:
LPIN1-related disorder. Also called: LPIN1-related condition.
Myoglobinuria, acute recurrent, autosomal recessive. Also called: MYOGLOBINURIA, FAMILIAL PAROXYSMAL PARALYTIC; RHABDOMYOLYSIS, ACUTE RECURRENT; Myoglobinuria, recurrent, autosomal recessive. Identifiers: Orphanet 99845, MedGen C1849386, MONDO:0009992, OMIM 268200.

Allele frequency attached by ClinVar (database versions not stated): gnomAD 0.00537 and 0.00576; 1000 Genomes Project 30x 0.00609; ExAC 0.00028; gnomAD exomes 0.00120; 1000 Genomes Project 0.00619; TOPMed 0.00643.
gnomAD v4.1: 1,689 of 1,535,712 alleles (0.11%); highest among the groups gnomAD compares: African/African-American, 2%; 13 homozygotes.

Submissions (6):

Blueprint Genetics
Classification: Likely benign. Last evaluated: 2024-11-26. Review status: criteria provided, single submitter. Criteria: ACMG Guidelines, 2015. Collection method: clinical testing. Allele origin: germline.

ARUP Laboratories, Molecular Genetics and Genomics, ARUP Laboratories
Classification: Likely benign for Myoglobinuria, acute recurrent, autosomal recessive. Last evaluated: 2023-10-10. Review status: criteria provided, single submitter. Criteria: ARUP Molecular Germline Variant Investigation Process 2024. Collection method: clinical testing. Allele origin: germline.

Fulgent Genetics
Classification: Likely benign for Myoglobinuria, acute recurrent, autosomal recessive. Last evaluated: 2021-07-23. Review status: criteria provided, single submitter. Criteria: ACMG Guidelines, 2015. Collection method: clinical testing. Allele origin: unknown.

GeneDx
Classification: Likely benign. Last evaluated: 2018-09-05. Review status: criteria provided, single submitter. Criteria: GeneDx Variant Classification Process June 2021. Collection method: clinical testing. Allele origin: germline. Affected: yes.

Breakthrough Genomics
Classification: Likely benign. Review status: criteria provided, single submitter. Criteria: ACMG Guidelines, 2015. Collection method: not provided. Allele origin: germline. Inheritance: Autosomal recessive inheritance. Affected: yes.

PreventionGenetics, part of Exact Sciences
Classification: Benign for LPIN1-related condition. Last evaluated: 2019-06-06. Review status: no assertion criteria provided. Collection method: clinical testing. Allele origin: germline. Not counted in ClinVar's aggregate classification.
Comment: This variant is classified as benign based on ACMG/AMP sequence variant interpretation guidelines (Richards et al. 2015 PMID: 25741868, with internal and published modifications).